The following is an entry in ClinVar:

NM_032436.4(CHAMP1):c.1214_1222delinsA (p.Ser405_His408delinsTer)

Gene: CHAMP1 (chromosome alignment maintaining phosphoprotein 1; plus strand). Cytogenetic location: 13q34.
Variant type: Indel.
Coding change: c.1214_1222delinsA on transcript NM_032436.4 (MANE Select); coding-DNA positions 1214 to 1222, CTCCTGAAC replaced by A.
Protein change: p.Ser405_His408delinsTer.
Molecular consequence: nonsense.
Genome position (GRCh38, 1-based): chr13:114,325,056-114,325,064, CTCCTGAAC replaced by A. VCF-style: chr13-114325056-CTCCTGAAC-A. GRCh37 (hg19) VCF-style: chr13-115090531-CTCCTGAAC-A.
Other names: c.1214_1222delinsA, p.Ser405_His408delinsTer (NM_001164144.3, NM_001164145.3).
Identifiers: ClinVar variation 817568 (VCV000817568.1), dbSNP rs1594130666, ClinGen allele CA915948892.

ClinVar aggregate classification (germline): Pathogenic (1 of 4 stars; one submission).

Submission:

GeneDx
Classification: Pathogenic. Last evaluated: 2018-08-06. Review status: criteria provided, single submitter. Criteria: GeneDx Variant Classification (06012015). Collection method: clinical testing. Allele origin: germline. Affected: yes.
Comment: The c.1214_1222delCTCCTGAACinsA variant in the CHAMP1 gene has not been published as a pathogenic variant, nor has it been reported as a benign variant to our knowledge. This variant is not observed in large population cohorts (Lek et al., 2016). The c.1214_1222delCTCCTGAACinsA variant causes a deletion of nine nucleotides followed by an insertion of one nucleotide, which creates a premature Stop codon at position Serine 405, denoted p.Ser405Ter. This variant is predicted to cause loss of normal protein function through protein truncation, as the last 408 amino acids are lost and replaced with a Stop codon.